The following is an entry in ClinVar:

ClinVar aggregate classification (germline): Uncertain significance (1 of 4 stars; one submission).

Conditions:
NDUFAF8-related disorder. Also called: NDUFAF8-related condition.

Allele frequency attached by ClinVar (database versions not stated): 1000 Genomes Project 30x 0.00016; 1000 Genomes Project 0.00020; TOPMed 0.00005.

Submission:

PreventionGenetics, part of Exact Sciences
Classification: Uncertain significance for NDUFAF8-related condition. Last evaluated: 2023-03-13. Review status: criteria provided, single submitter. Criteria: ACMG Guidelines, 2015. Collection method: clinical testing. Allele origin: germline.
Comment: The NDUFAF8 c.17C>A variant is predicted to result in the amino acid substitution p.Ala6Glu. To our knowledge, this variant has not been reported in the literature or in a large population database, indicating this variant is rare. At this time, the clinical significance of this variant is uncertain due to the absence of conclusive functional and genetic evidence.

NM_001086521.2(NDUFAF8):c.17C>A (p.Ala6Glu)

Genes: NDUFAF8 (NADH:ubiquinone oxidoreductase complex assembly factor 8; plus strand), LOC130061928 (ATAC-STARR-seq lymphoblastoid active region 12955; plus strand). Cytogenetic location: 17q25.3.
Variant type: single nucleotide variant.
Coding change: c.17C>A on transcript NM_001086521.2 (MANE Select); coding-DNA position 17, C replaced by A.
Protein change: p.Ala6Glu; replaces alanine 6 with glutamic acid.
Molecular consequence: missense variant. On other transcripts: 5 prime UTR variant (1).
Genome position (GRCh38, 1-based): chr17:81,239,380, C>A. VCF-style: chr17-81239380-C-A. GRCh37 (hg19) VCF-style: chr17-79213180-C-A.
Other names: c.17C>A, p.Ala6Glu (NM_001353402.1); c.-407C>A (NM_001353403.1); short protein forms A6E.
Identifiers: ClinVar variation 2632039 (VCV002632039.1), dbSNP rs531171371, ClinGen allele CA8831193.
Genomic context (GRCh38, chr17:81,239,380, plus strand): 5'-CGGACCTAAGATGGCGGCCTCCAGGGGGCTGGGAATAGCCGCTCATGTCGGCTAACGGAG[C>A]GGTGTGGGGCCGCGTGCGAAGCCGCCTCCGCGCCTTCCCCGAGCGGCTGGCCGCCTGCGG-3'
Protein context (NP_001079990.1, residues 1-16): MSANG[Ala6Glu]VWGRVRSRLR